The following is an entry in ClinVar:

ClinVar aggregate classification (germline): Pathogenic (1 of 4 stars; one submission).

Submission:

GeneDx
Classification: Pathogenic. Last evaluated: 2022-12-27. Review status: criteria provided, single submitter. Criteria: GeneDx Variant Classification Process June 2021. Collection method: clinical testing. Allele origin: germline. Affected: yes.
Comment: Not observed in large population cohorts (gnomAD); In silico analysis supports that this missense variant has a deleterious effect on protein structure/function; Has not been previously published as pathogenic or benign to our knowledge

NM_007118.4(TRIO):c.3223A>G (p.Thr1075Ala)

Gene: TRIO (trio Rho guanine nucleotide exchange factor; plus strand). Cytogenetic location: 5p15.2.
Variant type: single nucleotide variant.
Coding change: c.3223A>G on transcript NM_007118.4 (MANE Select); coding-DNA position 3223, A replaced by G.
Protein change: p.Thr1075Ala; replaces threonine 1075 with alanine.
Molecular consequence: missense variant. On other transcripts: non-coding transcript variant (1).
Genome position (GRCh38, 1-based): chr5:14,374,235, A>G. VCF-style: chr5-14374235-A-G. GRCh37 (hg19) VCF-style: chr5-14374344-A-G.
Other names: short protein forms T1075A.
Identifiers: ClinVar variation 1693017 (VCV001693017.2), dbSNP rs2152348001, ClinGen allele CA359218447.
Genomic context (GRCh38, chr5:14,374,235, plus strand): 5'-ATACACGTTTGTAGAAGTCAAATTAGCAACACATTGCTCTCCATTGTTTTTTAGGCTTGC[A>G]CCCTTGCTCGGAGGAATGCAGACGTCTTCCTGAAATACCTGCACAGGAACAGCGTGAACA-3'
Protein context (NP_009049.2, residues 1065-1085): EQKEAFLKAC[Thr1075Ala]LARRNADVFL